The following is an entry in ClinVar:

ClinVar aggregate classification (germline): Uncertain significance (1 of 4 stars; one submission).

gnomAD v4.1: 29 of 1,614,158 alleles (0.0018%); highest among the groups gnomAD compares: Non-Finnish European, 0.0025%; no homozygotes.

Submission:

GeneDx
Classification: Uncertain significance. Last evaluated: 2026-02-07. Review status: criteria provided, single submitter. Criteria: GeneDx Variant Classification Process June 2021. Collection method: clinical testing. Allele origin: germline.
Comment: Not observed at significant frequency in large population cohorts (gnomAD); In silico analysis supports that this missense variant has a deleterious effect on protein structure/function; Has not been previously published as pathogenic or benign to our knowledge

NM_000787.4(DBH):c.643G>A (p.Glu215Lys)

Gene: DBH (dopamine beta-hydroxylase; plus strand). Cytogenetic location: 9q34.2.
Variant type: single nucleotide variant.
Coding change: c.643G>A on transcript NM_000787.4 (MANE Select); coding-DNA position 643, G replaced by A.
Protein change: p.Glu215Lys; replaces glutamic acid 215 with lysine.
Molecular consequence: missense variant.
Genome position (GRCh38, 1-based): chr9:133,642,363, G>A. VCF-style: chr9-133642363-G-A. GRCh37 (hg19) VCF-style: chr9-136507485-G-A.
Other names: short protein forms E215K.
Identifiers: ClinVar variation 4887855 (VCV004887855.1).